The following is an entry in ClinVar:

NM_007186.6(CEP250):c.6889C>T (p.Arg2297Trp)

Gene: CEP250 (centrosomal protein 250; plus strand). Cytogenetic location: 20q11.22.
Variant type: single nucleotide variant.
Coding change: c.6889C>T on transcript NM_007186.6 (MANE Select); coding-DNA position 6889, C replaced by T.
Protein change: p.Arg2297Trp; replaces arginine 2297 with tryptophan.
Molecular consequence: missense variant.
Genome position (GRCh38, 1-based): chr20:35,508,173, C>T. VCF-style: chr20-35508173-C-T. GRCh37 (hg19) VCF-style: chr20-34096002-C-T.
Other names: c.4993C>T, p.Arg1665Trp (NM_001318219.1); c.6889C>T (NM_007186.5); short protein forms R1665W, R2297W.
Identifiers: ClinVar variation 1038892 (VCV001038892.8), dbSNP rs777058678, ClinGen allele CA9834175.
Genomic context (GRCh38, chr20:35,508,173, plus strand): 5'-CAAGCAGTGGCCCGGCTGGAGATTGACAGGAGCAGGCTGCAGCGCCACAATGTCCAGCTG[C>T]GGAGTACCTTGGAGCAGGTGACCCCTCTTCTTGTCCAGTGGGCATGCATCTCCACTTCTC-3'
Protein context (NP_009117.2, residues 2287-2307): SRLQRHNVQL[Arg2297Trp]STLEQVERER

ClinVar aggregate classification (germline): Uncertain significance. Review status: criteria provided, multiple submitters, no conflicts (2 of 4 stars). 3 submissions from 3 submitters: Uncertain significance (3). Last evaluated 2026-03-04.

Conditions:
CEP250-related disorder. Also called: CEP250-related condition.

Allele frequency attached by ClinVar (database versions not stated): ExAC 0.00001; gnomAD 0.00001; gnomAD exomes 0.00001; TOPMed 0.00001.
gnomAD v4.1: 13 of 1,613,856 alleles (0.00081%); highest among the groups gnomAD compares: East Asian, 0.0022%; no homozygotes.

Submissions (3):

PreventionGenetics, part of Exact Sciences
Classification: Uncertain significance for CEP250-related condition. Last evaluated: 2026-03-04. Review status: criteria provided, single submitter. Criteria: ACMG Guidelines, 2015. Collection method: clinical testing. Allele origin: germline.
Comment: The CEP250 c.6889C>T variant is predicted to result in the amino acid substitution p.Arg2297Trp. To our knowledge, this variant has not been reported in the literature. This variant is reported in 0.0054% of alleles in individuals of East Asian descent in gnomAD. At this time, the clinical significance of this variant is uncertain due to the absence of conclusive functional and genetic evidence.

Labcorp Genetics (formerly Invitae), Labcorp
Classification: Uncertain significance. Last evaluated: 2025-08-15. Review status: criteria provided, single submitter. Criteria: Invitae Variant Classification Sherloc (09022015). Collection method: clinical testing. Allele origin: germline.
Comment: This sequence change replaces arginine, which is basic and polar, with tryptophan, which is neutral and slightly polar, at codon 2297 of the CEP250 protein (p.Arg2297Trp). This variant is present in population databases (rs777058678, gnomAD 0.006%). This variant has not been reported in the literature in individuals affected with CEP250-related conditions. ClinVar contains an entry for this variant (Variation ID: 1038892). An algorithm developed to predict the effect of missense changes on protein structure and function (PolyPhen-2) suggests that this variant is likely to be disruptive. In summary, the available evidence is currently insufficient to determine the role of this variant in disease. Therefore, it has been classified as a Variant of Uncertain Significance.

Blueprint Genetics
Classification: Uncertain significance. Last evaluated: 2020-09-24. Review status: criteria provided, single submitter. Criteria: ACMG Guidelines, 2015. Collection method: clinical testing. Allele origin: germline.